The following is an entry in ClinVar:

ClinVar aggregate classification (germline): Conflicting classifications of pathogenicity. Review status: criteria provided, conflicting classifications (1 of 4 stars). 16 submissions from 15 submitters: Uncertain significance (10); Likely benign (4). 2 of the submissions do not count toward it. Last evaluated 2025-12-20.

Conditions:
Hereditary cancer-predisposing syndrome. Also called: Neoplastic Syndromes, Hereditary; Tumor predisposition; Hereditary Cancer Syndrome; Hereditary neoplastic syndrome. Identifiers: Orphanet 140162, MedGen C0027672, MeSH D009386, MONDO:0015356.
Familial prostate cancer. Also called: Hereditary Prostate Cancer. Identifiers: MedGen C2931456, MONDO:0700275, OMIM 176807.
Hereditary breast ovarian cancer syndrome. Also called: Breast and ovarian cancer; Hereditary breast and ovarian cancer; Hereditary breast and ovarian cancer syndrome (HBOC); Hereditary breast and ovarian cancer syndrome; BRCA1- and BRCA2-Associated Hereditary Breast and Ovarian Cancer; Hereditary breast and/or ovarian cancer syndrome. Identifiers: Orphanet 145, MedGen C0677776, MeSH D061325, MONDO:0003582. Disease mechanism: loss of function.
Fanconi anemia complementation group D1. Also called: BRCA2-Related Fanconi Anemia. Identifiers: Orphanet 319462, MedGen C1838457, MONDO:0011584, OMIM 605724.
Breast-ovarian cancer, familial, susceptibility to, 2 (BROVCA2). Also called: BRCA2 Hereditary Breast and Ovarian Cancer. Identifiers: Orphanet 145, MedGen C2675520, MONDO:0012933, OMIM 612555. Disease mechanism: loss of function.

Allele frequency attached by ClinVar (database versions not stated): gnomAD exomes below 0.00001; TOPMed below 0.00001; gnomAD 0.00001.
gnomAD v4.1: 4 of 1,603,980 alleles (0.00025%); highest among the groups gnomAD compares: African/African-American, 0.0013%; no homozygotes.

Submissions (16):

Labcorp Genetics (formerly Invitae), Labcorp
Classification: Likely benign for Hereditary breast ovarian cancer syndrome. Last evaluated: 2025-12-20. Review status: criteria provided, single submitter. Criteria: Invitae Variant Classification Sherloc (09022015). Collection method: clinical testing. Allele origin: germline.

Quest Diagnostics Nichols Institute San Juan Capistrano
Classification: Uncertain significance. Last evaluated: 2025-08-28. Review status: criteria provided, single submitter. Criteria: Quest Diagnostics criteria. Collection method: clinical testing. Allele origin: unknown.
Comment: The BRCA2 c.847A>G (p.Ile283Val) variant has been reported in the published literature in individuals with a personal or family history of breast cancer (PMID: 23635950 (2013), 30400234 (2018)), esophageal squamous cell carcinoma (PMID: 31396961 (2020)), and described to be located in a region of the BRCA2 gene that is tolerant to missense sequence changes (PMID: 31911673 (2020)). The frequency of this variant in the general population (Genome Aggregation Database) is uninformative in the assessment of its pathogenicity. Analysis of this variant using bioinformatics tools for the prediction of the effect of amino acid changes on protein structure and function yielded predictions that this variant is benign. Based on the available information, we are unable to determine the clinical significance of this variant.

All of Us Research Program, National Institutes of Health
Classification: Uncertain significance for Breast-ovarian cancer, familial, susceptibility to, 2. Last evaluated: 2023-05-31. Review status: criteria provided, single submitter. Criteria: ACMG Guidelines, 2015. Collection method: clinical testing. Allele origin: germline. Inheritance: Autosomal dominant inheritance. Observed: 1 variant allele, 1 heterozygote.
Comment: This study involves interpretation of variants in research participants for the purpose of population health screening. Participant phenotype was not available at the time of variant classification. Additional details can be found in publication PMID: 35346344, PMCID: PMC8962531

Color Diagnostics, LLC DBA Color Health
Classification: Uncertain significance for Hereditary cancer-predisposing syndrome. Last evaluated: 2023-05-09. Review status: criteria provided, single submitter. Criteria: ACMG Guidelines, 2015. Collection method: clinical testing. Allele origin: germline.
Comment: This missense variant replaces isoleucine with valine at codon 283 of the BRCA2 protein. Computational prediction suggests that this variant may not impact protein structure and function (internally defined REVEL score threshold <= 0.5, PMID: 27666373). To our knowledge, functional studies have not been reported for this variant. This variant has been reported in individuals with a personal or family history of breast and/or ovarian cancer (PMID: 23635950, 30400234). This variant has been identified in 1/242314 chromosomes in the general population by the Genome Aggregation Database (gnomAD). The available evidence is insufficient to determine the role of this variant in disease conclusively. Therefore, this variant is classified as a Variant of Uncertain Significance.

Women's Health and Genetics/Laboratory Corporation of America, LabCorp
Classification: Uncertain significance. Last evaluated: 2023-05-04. Review status: criteria provided, single submitter. Criteria: LabCorp Variant Classification Summary - May 2015. Collection method: clinical testing. Allele origin: germline.
Comment: Variant summary: BRCA2 c.847A>G (p.Ile283Val) results in a conservative amino acid change in the encoded protein sequence. Five of five in-silico tools predict a benign effect of the variant on protein function. The variant allele was found at a frequency of 4.1e-06 in 242314 control chromosomes. The available data on variant occurrences in the general population are insufficient to allow any conclusion about variant significance. c.847A>G has been reported in the literature in individuals affected with Hereditary Breast And Ovarian Cancer Syndrome (examples: Dobricic_2013, Diaz-Zabala_2018) and affected with esophageal squamous cell carcinoma (Ko_2020). These report(s) do not provide unequivocal conclusions about association of the variant with Hereditary Breast And Ovarian Cancer Syndrome. To our knowledge, no experimental evidence demonstrating an impact on protein function has been reported. The following publications have been ascertained in the context of this evaluation (PMID: 23635950, 30400234, 31396961). Eight clinical diagnostic laboratories have submitted clinical-significance assessments for this variant to ClinVar after 2014 without evidence for independent evaluation. Multiple laboratories reported the variant with conflicting assessments, classifying the variant as uncertain significance (n=5) or likely benign (n=3). Based on the evidence outlined above, the variant was classified as uncertain significance.

Department of Pathology and Laboratory Medicine, Sinai Health System
Classification: Uncertain significance for Familial prostate cancer. Last evaluated: 2023-05-03. Review status: criteria provided, single submitter. Criteria: ACMG Guidelines, 2015. Collection method: clinical testing. Allele origin: germline. Affected: yes.

University of Washington Department of Laboratory Medicine, University of Washington
Classification: Likely benign for Hereditary cancer-predisposing syndrome. Last evaluated: 2023-03-23. Review status: criteria provided, single submitter. Criteria: Dines et al. (Genet Med. 2020). Collection method: curation. Allele origin: germline.
Comment: Missense variant in a coldspot region where missense variants are very unlikely to be pathogenic (PMID:31911673).

BRCA2 exon 10 coldspot. Reclassification based on statistical prior probability.

Sema4
Classification: Uncertain significance for Hereditary cancer-predisposing syndrome. Last evaluated: 2021-07-20. Review status: criteria provided, single submitter. Criteria: Sema4 Curation Guidelines. Collection method: curation. Allele origin: germline.
Comment: The BRCA2 c.847A>G (p.I283V) variant has been reported in heterozygosity in at least two individuals with breast cancer (PMID: 23635950, 30400234). It was observed in 1/111128 chromosomes of the Non-Finnish European subpopulation in the large and broad cohorts of the Genome Aggregation Database. The variant has been reported in ClinVar (Variation ID 52598). Functional studies have not been performed and in silico predictions of the variant's effect on protein function are inconclusive. The evidence is insufficient to meet ACMG/AMP criteria for classifying the variant as benign or pathogenic. Thus, the clinical significance of this variant is currently uncertain.

GeneDx
Classification: Uncertain significance. Last evaluated: 2019-06-03. Review status: criteria provided, single submitter. Criteria: GeneDx Variant Classification Process June 2021. Collection method: clinical testing. Allele origin: germline. Affected: yes.
Comment: Not observed at a significant frequency in large population cohorts (Lek et al., 2016); In silico analysis, which includes protein predictors and evolutionary conservation, supports that this variant does not alter protein structure/function; This variant is associated with the following publications: (PMID: 10923033, 17899372, 30400234, 23635950)

Ambry Genetics
Classification: Likely benign for Hereditary cancer-predisposing syndrome. Last evaluated: 2018-05-25. Review status: criteria provided, single submitter. Criteria: Ambry Variant Classification Scheme 2023. Collection method: clinical testing. Allele origin: germline.

Illumina Laboratory Services, Illumina
Classification: Uncertain significance for Breast-ovarian cancer, familial, susceptibility to, 2. Last evaluated: 2017-07-13. Review status: criteria provided, single submitter. Criteria: ICSL Variant Classification Criteria 13 December 2019. Collection method: clinical testing. Allele origin: germline.
Comment: This variant was observed as part of a predisposition screen in an ostensibly healthy population. A literature search was performed for the gene, cDNA change, and amino acid change (where applicable). Publications were found based on this search. However, the evidence from the literature, in combination with allele frequency data from public databases where available, was not sufficient to rule this variant in or out of causing disease. Therefore, this variant is classified as a variant of unknown significance.

Illumina Laboratory Services, Illumina
Classification: Uncertain significance for Fanconi anemia complementation group D1. Last evaluated: 2017-07-13. Review status: criteria provided, single submitter. Criteria: ICSL Variant Classification Criteria 13 December 2019. Collection method: clinical testing. Allele origin: germline.
Comment: the same text as in the submission from Illumina Laboratory Services, Illumina above.

Genomic Diagnostic Laboratory, Division of Genomic Diagnostics, Children's Hospital of Philadelphia
Classification: Uncertain significance for Hereditary Breast and Ovarian Cancer. Last evaluated: 2015-06-19. Review status: criteria provided, single submitter. Criteria: DGD Variant Analysis Guidelines. Collection method: clinical testing. Allele origin: unknown.

Molecular Genetics Laboratory, University of Michigan
Classification: Likely benign for Breast-ovarian cancer, familial, susceptibility to, 2. Last evaluated: 2014-11-03. Review status: criteria provided, single submitter. Criteria: ACMG Guidelines, 2015. Collection method: clinical testing. Allele origin: germline. Affected: yes.

Sharing Clinical Reports Project (SCRP)
Classification: Likely benign for Breast-ovarian cancer, familial 2. Last evaluated: 2012-05-01. Review status: no assertion criteria provided. Collection method: clinical testing. Allele origin: germline. Not counted in ClinVar's aggregate classification.

Breast Cancer Information Core (BIC) (BRCA2)
Classification: Uncertain significance for Breast-ovarian cancer, familial 2. Last evaluated: 2004-02-20. Review status: no assertion criteria provided. Collection method: clinical testing. Allele origin: germline. Affected: yes. Observed: 3 variant alleles. Not counted in ClinVar's aggregate classification.

Literature cited by the submitters: PubMed 23635950 (cited by 6 submitters); PubMed 17899372 (cited by Quest Diagnostics Nichols Institute San Juan Capistrano and Illumina Laboratory Services, Illumina); PubMed 30400234 (cited by 5 submitters); PubMed 31396961 (cited by Quest Diagnostics Nichols Institute San Juan Capistrano and Women's Health and Genetics/Laboratory Corporation of America, LabCorp); PubMed 31911673 (cited by Quest Diagnostics Nichols Institute San Juan Capistrano); PubMed 31131967 (cited by Quest Diagnostics Nichols Institute San Juan Capistrano).

NM_000059.4(BRCA2):c.847A>G (p.Ile283Val)

Gene: BRCA2 (BRCA2 DNA repair associated; plus strand). Cytogenetic location: 13q13.1.
Variant type: single nucleotide variant.
Coding change: c.847A>G on transcript NM_000059.4 (MANE Select); coding-DNA position 847, A replaced by G.
Protein change: p.Ile283Val; replaces isoleucine 283 with valine.
Molecular consequence: missense variant.
Genome position (GRCh38, 1-based): chr13:32,332,325, A>G. VCF-style: chr13-32332325-A-G. GRCh37 (hg19) VCF-style: chr13-32906462-A-G.
Other names: 1075A>G; short protein forms I283V.
Identifiers: ClinVar variation 52598 (VCV000052598.32), dbSNP rs80359097, ClinGen allele CA025663.